The following is an entry in ClinVar:

NM_006017.3(PROM1):c.1163C>A (p.Ser388Tyr)

Gene: PROM1 (prominin 1; minus strand). Cytogenetic location: 4p15.32.
Variant type: single nucleotide variant.
Coding change: c.1163C>A on transcript NM_006017.3 (MANE Select); coding-DNA position 1163, C replaced by A.
Protein change: p.Ser388Tyr; replaces serine 388 with tyrosine.
Molecular consequence: missense variant.
Genome position (GRCh38, 1-based): chr4:16,009,087, G>T on the plus strand (C>A on the coding strand, the complement: PROM1 is on the minus strand). VCF-style: chr4-16009087-G-T. GRCh37 (hg19) VCF-style: chr4-16010710-G-T.
Other names: c.1136C>A, p.Ser379Tyr (NM_001145847.2, NM_001145848.2, NM_001145851.2 and 4 more transcripts); c.1163C>A, p.Ser388Tyr (NM_001145849.2, NM_001145850.2); short protein forms S379Y, S388Y.
Identifiers: ClinVar variation 1348451 (VCV001348451.8), dbSNP rs267600054, ClinGen allele CA2866845.

ClinVar aggregate classification (germline): Uncertain significance (1 of 4 stars; one submission).

Allele frequency attached by ClinVar (database versions not stated): gnomAD exomes 0.00001; ExAC 0.00002.
gnomAD v4.1: 3 of 1,612,998 alleles (0.00019%); highest among the groups gnomAD compares: East Asian, 0.0022%; no homozygotes.

Submission:

Labcorp Genetics (formerly Invitae), Labcorp
Classification: Uncertain significance. Last evaluated: 2025-01-29. Review status: criteria provided, single submitter. Criteria: Invitae Variant Classification Sherloc (09022015). Collection method: clinical testing. Allele origin: germline.
Comment: This sequence change replaces serine, which is neutral and polar, with tyrosine, which is neutral and polar, at codon 388 of the PROM1 protein (p.Ser388Tyr). This variant is present in population databases (rs267600054, gnomAD 0.006%). This variant has not been reported in the literature in individuals affected with PROM1-related conditions. ClinVar contains an entry for this variant (Variation ID: 1348451). Invitae Evidence Modeling of protein sequence and biophysical properties (such as structural, functional, and spatial information, amino acid conservation, physicochemical variation, residue mobility, and thermodynamic stability) indicates that this missense variant is expected to disrupt PROM1 protein function with a positive predictive value of 80%. In summary, the available evidence is currently insufficient to determine the role of this variant in disease. Therefore, it has been classified as a Variant of Uncertain Significance.